The following is an entry in ClinVar:

ClinVar aggregate classification (germline): Benign (1 of 4 stars; one submission).

Conditions:
Fibrous dysplasia of jaw (CRBM). Also called: Cherubism. Identifiers: Orphanet 184, MedGen C0008029, MONDO:0007315, OMIM 118400.

Allele frequency attached by ClinVar (database versions not stated): gnomAD 0.00014 and 0.00018; TOPMed 0.00020; 1000 Genomes Project 30x 0.00094; 1000 Genomes Project 0.00140.

Submission:

Illumina Laboratory Services, Illumina
Classification: Benign for Fibrous dysplasia of jaw. Last evaluated: 2018-01-12. Review status: criteria provided, single submitter. Criteria: ICSL Variant Classification Criteria 13 December 2019. Collection method: clinical testing. Allele origin: germline.
Comment: This variant was observed in the ICSL laboratory as part of a predisposition screen in an ostensibly healthy population. It had not been previously curated by ICSL or reported in the Human Gene Mutation Database (HGMD: prior to June 1st, 2018), and was therefore a candidate for classification through an automated scoring system. Utilizing variant allele frequency, disease prevalence and penetrance estimates, and inheritance mode, an automated score was calculated to assess if this variant is too frequent to cause the disease. Based on the score and internal cut-off values, a variant classified as benign is not then subjected to further curation. The score for this variant resulted in a classification of benign for this disease.

NM_001122681.2(SH3BP2):c.*6136A>C

Gene: SH3BP2 (SH3 domain binding protein 2; plus strand). Cytogenetic location: 4p16.3.
Variant type: single nucleotide variant.
Coding change: c.*6136A>C on transcript NM_001122681.2 (MANE Select); 6136 bases downstream of the stop codon, A replaced by C.
Molecular consequence: 3 prime UTR variant.
Genome position (GRCh38, 1-based): chr4:2,839,970, A>C. VCF-style: chr4-2839970-A-C. GRCh37 (hg19) VCF-style: chr4-2841697-A-C.
Other names: c.*6136A>C (LRG_1334t1, LRG_1334t2, NM_001145855.2 and 2 more transcripts).
Identifiers: ClinVar variation 348703 (VCV000348703.5), dbSNP rs566113870, ClinGen allele CA10617711.